The following is an entry in ClinVar:

NM_173598.6(KSR2):c.315C>T (p.Val105=)

Gene: KSR2 (kinase suppressor of ras 2; minus strand). Cytogenetic location: 12q24.23.
Variant type: single nucleotide variant.
Coding change: c.315C>T on transcript NM_173598.6 (MANE Select); coding-DNA position 315, C replaced by T.
Protein change: p.Val105=; no amino-acid change (valine 105 retained).
Molecular consequence: synonymous variant.
Genome position (GRCh38, 1-based): chr12:117,860,297, G>A on the plus strand (C>T on the coding strand, the complement: KSR2 is on the minus strand). VCF-style: chr12-117860297-G-A. GRCh37 (hg19) VCF-style: chr12-118298102-G-A.
Identifiers: ClinVar variation 3035397 (VCV003035397.2), dbSNP rs761993761, ClinGen allele CA6816394.

ClinVar aggregate classification (germline): Likely benign (0 of 4 stars; one submission).

Conditions:
KSR2-related disorder. Also called: KSR2-related condition.

Allele frequency attached by ClinVar (database versions not stated): gnomAD exomes 0.00001; ExAC 0.00003; gnomAD 0.00007; TOPMed 0.00017.
gnomAD v4.1: 19 of 1,610,186 alleles (0.0012%); highest among the groups gnomAD compares: African/African-American, 0.023%; no homozygotes.

Submission:

PreventionGenetics, part of Exact Sciences
Classification: Likely benign for KSR2-related condition. Last evaluated: 2020-11-10. Review status: no assertion criteria provided. Collection method: clinical testing. Allele origin: germline.
Comment: This variant is classified as likely benign based on ACMG/AMP sequence variant interpretation guidelines (Richards et al. 2015 PMID: 25741868, with internal and published modifications).